The following is an entry in ClinVar:

NM_194302.4(CFAP65):c.5115G>A (p.Pro1705=)

Genes: CFAP65 (cilia and flagella associated protein 65; minus strand), CFAP65-AS1 (CFAP65 antisense RNA 1; plus strand). Cytogenetic location: 2q35.
Variant type: single nucleotide variant.
Coding change: c.5115G>A on transcript NM_194302.4 (MANE Select); coding-DNA position 5115, G replaced by A.
Protein change: p.Pro1705=; no amino-acid change (proline 1705 retained).
Molecular consequence: synonymous variant.
Genome position (GRCh38, 1-based): chr2:219,004,392, C>T on the plus strand (G>A on the coding strand, the complement: CFAP65 is on the minus strand). VCF-style: chr2-219004392-C-T. GRCh37 (hg19) VCF-style: chr2-219869114-C-T.
Identifiers: ClinVar variation 3388077 (VCV003388077.14).

ClinVar aggregate classification (germline): Likely benign (1 of 4 stars; one submission).

gnomAD v4.1: 89 of 1,613,994 alleles (0.0055%); highest among the groups gnomAD compares: South Asian, 0.069%; 3 homozygotes.

Submission:

CeGaT Center for Human Genetics Tuebingen
Classification: Likely benign. Last evaluated: 2024-11-01. Review status: criteria provided, single submitter. Criteria: CeGaT Center For Human Genetics Tuebingen Variant Classification Criteria Version 2. Collection method: clinical testing. Allele origin: germline. Affected: yes. Observed: 1 variant allele.
Comment: CFAP65: BP4, BP7